The following is an entry in ClinVar:

NM_001080448.3(EPHA6):c.1930G>A (p.Val644Met)

Gene: EPHA6 (EPH receptor A6; plus strand). Cytogenetic location: 3q11.2.
Variant type: single nucleotide variant.
Coding change: c.1930G>A on transcript NM_001080448.3 (MANE Select); coding-DNA position 1930, G replaced by A.
Protein change: p.Val644Met; replaces valine 644 with methionine.
Molecular consequence: missense variant.
Genome position (GRCh38, 1-based): chr3:97,475,387, G>A. VCF-style: chr3-97475387-G-A. GRCh37 (hg19) VCF-style: chr3-97194231-G-A.
Other names: c.106G>A, p.Val36Met (NM_001278300.2, NM_173655.4); short protein forms V36M, V644M.
Identifiers: ClinVar variation 3257452 (VCV003257452.17).

ClinVar aggregate classification (germline): Uncertain significance (1 of 4 stars; one submission).

gnomAD v4.1: 2 of 1,611,796 alleles (0.00012%); highest among the groups gnomAD compares: Non-Finnish European, 0.00017%; no homozygotes.

Submission:

CeGaT Center for Human Genetics Tuebingen
Classification: Uncertain significance. Last evaluated: 2024-07-01. Review status: criteria provided, single submitter. Criteria: CeGaT Center For Human Genetics Tuebingen Variant Classification Criteria Version 2. Collection method: clinical testing. Allele origin: germline. Affected: yes. Observed: 1 variant allele.
Comment: EPHA6: PM2